The following is an entry in ClinVar:

NM_000138.5(FBN1):c.6164-2A>G

Gene: FBN1 (fibrillin 1; minus strand). Cytogenetic location: 15q21.1.
Variant type: single nucleotide variant.
Coding change: c.6164-2A>G on transcript NM_000138.5 (MANE Select); the canonical splice acceptor site of the intron before coding-DNA position 6164, A replaced by G.
Molecular consequence: splice acceptor variant.
Genome position (GRCh38, 1-based): chr15:48,437,919, T>C on the plus strand (A>G on the coding strand, the complement: FBN1 is on the minus strand). VCF-style: chr15-48437919-T-C. GRCh37 (hg19) VCF-style: chr15-48730116-T-C.
Other names: c.6164-2A>G (NM_001406716.1).
Identifiers: ClinVar variation 373085 (VCV000373085.10), dbSNP rs794728244, ClinGen allele CA16042941.

ClinVar aggregate classification (germline): Pathogenic/Likely pathogenic. Review status: criteria provided, multiple submitters, no conflicts (2 of 4 stars). 3 submissions from 3 submitters: Pathogenic (2); Likely pathogenic (1). Last evaluated 2025-07-28.

Conditions:
Marfan syndrome (MFS). Also called: Marfan syndrome, classic; Marfan syndrome type 1; Marfan's syndrome; MARFAN SYNDROME, TYPE I; FBN1-Related Marfan Syndrome. Identifiers: Orphanet 284963, Orphanet 558, MedGen C0024796, MONDO:0007947, OMIM 154700.
Familial thoracic aortic aneurysm and aortic dissection (TAAD). Also called: Thoracic aortic aneurysms and dissections. Identifiers: Orphanet 91387, MedGen C4707243, MONDO:0019625.
FBN1-related disorder. Also called: FBN1-related disorders.

Submissions (3):

Labcorp Genetics (formerly Invitae), Labcorp
Classification: Pathogenic for Marfan syndrome; Familial thoracic aortic aneurysm and aortic dissection. Last evaluated: 2025-07-28. Review status: criteria provided, single submitter. Criteria: Invitae Variant Classification Sherloc (09022015). Collection method: clinical testing. Allele origin: germline.
Comment: This sequence change affects an acceptor splice site in intron 50 of the FBN1 gene. RNA analysis indicates that disruption of this splice site induces altered splicing and likely results in a shortened protein product. This variant is not present in population databases (gnomAD no frequency). Disruption of this splice site has been observed in individuals with clinical features of Marfan syndrome (PMID: 17657824, 24161884, 25613431). ClinVar contains an entry for this variant (Variation ID: 373085). Studies have shown that disruption of this splice site results in skipping of skipping of exon 51, but is expected to preserve the integrity of the reading-frame (PMID: 25613431). For these reasons, this variant has been classified as Pathogenic.

Blueprint Genetics
Classification: Likely pathogenic for FBN1-related disorders. Last evaluated: 2021-12-22. Review status: criteria provided, single submitter. Criteria: ACMG Guidelines, 2015. Collection method: clinical testing. Allele origin: germline. Affected: yes. Observed: 2 variant alleles.

GeneDx
Classification: Pathogenic. Last evaluated: 2016-11-09. Review status: criteria provided, single submitter. Criteria: GeneDx Variant Classification (06012015). Collection method: clinical testing. Allele origin: germline. Affected: yes.
Comment: Although the c.6164-2 A>G variant has not been reported as a pathogenic variant or as a benign variant to ourknowledge, it destroys the canonical splice acceptor site in intron 50 and is predicted to cause abnormal genesplicing. This variant is predicted to lead to either an abnormal message that is subject to nonsense-mediated mRNAdecay, or to an abnormal protein product if the message is used for protein translation. Other downstream splice sitevariants in the FBN1 gene and a different pathogenic splice site variant affecting the same nucleotide (c.6164-2 A>T)have been reported in HGMD or at GeneDx in association with Marfan syndrome (Stenson et al., 2014). Furthermore,the c.6164-2 A>G variant was not observed in approximately 6,500 individuals of European and African Americanancestry in the NHLBI Exome Sequencing Project, indicating it is not a common benign variant in thesepopulations.In summary, c.6164-2 A>G in the FBN1 gene is interpreted as a pathogenic variant.

Literature cited by the submitters: PubMed 17657824 (cited by Labcorp Genetics (formerly Invitae), Labcorp); PubMed 24161884 (cited by Labcorp Genetics (formerly Invitae), Labcorp); PubMed 25613431 (cited by Labcorp Genetics (formerly Invitae), Labcorp).